The following is an entry in ClinVar:

ClinVar aggregate classification (germline): Uncertain significance (1 of 4 stars; one submission).

Conditions:
Holoprosencephaly 11 (HPE11). Identifiers: Orphanet 2162, MedGen C3280215, MONDO:0013642, OMIM 614226.

Submission:

Labcorp Genetics (formerly Invitae), Labcorp
Classification: Uncertain significance for Holoprosencephaly 11. Last evaluated: 2025-02-10. Review status: criteria provided, single submitter. Criteria: Invitae Variant Classification Sherloc (09022015). Collection method: clinical testing. Allele origin: germline.
Comment: This sequence change replaces histidine, which is basic and polar, with leucine, which is neutral and non-polar, at codon 831 of the CDON protein (p.His831Leu). This variant is not present in population databases (gnomAD no frequency). This variant has not been reported in the literature in individuals affected with CDON-related conditions. Invitae Evidence Modeling of protein sequence and biophysical properties (such as structural, functional, and spatial information, amino acid conservation, physicochemical variation, residue mobility, and thermodynamic stability) indicates that this missense variant is not expected to disrupt CDON protein function with a negative predictive value of 80%. In summary, the available evidence is currently insufficient to determine the role of this variant in disease. Therefore, it has been classified as a Variant of Uncertain Significance.

NM_001378964.1(CDON):c.2492A>T (p.His831Leu)

Gene: CDON (cell adhesion associated, oncogene regulated; minus strand). Cytogenetic location: 11q24.2.
Variant type: single nucleotide variant.
Coding change: c.2492A>T on transcript NM_001378964.1 (MANE Select); coding-DNA position 2492, A replaced by T.
Protein change: p.His831Leu; replaces histidine 831 with leucine.
Molecular consequence: missense variant.
Genome position (GRCh38, 1-based): chr11:125,994,923, T>A on the plus strand (A>T on the coding strand, the complement: CDON is on the minus strand). VCF-style: chr11-125994923-T-A. GRCh37 (hg19) VCF-style: chr11-125864818-T-A.
Other names: c.2492A>T, p.His831Leu (NM_001243597.3, NM_016952.6); short protein forms H831L.
Identifiers: ClinVar variation 3708181 (VCV003708181.2).